The following is an entry in ClinVar:

NM_005911.6(MAT2A):c.37A>G (p.Ile13Val)

Gene: MAT2A (methionine adenosyltransferase 2A; plus strand). Cytogenetic location: 2p11.2.
Variant type: single nucleotide variant.
Coding change: c.37A>G on transcript NM_005911.6 (MANE Select); coding-DNA position 37, A replaced by G.
Protein change: p.Ile13Val; replaces isoleucine 13 with valine.
Molecular consequence: missense variant.
Genome position (GRCh38, 1-based): chr2:85,539,324, A>G. VCF-style: chr2-85539324-A-G. GRCh37 (hg19) VCF-style: chr2-85766447-A-G.
Other names: c.37A>G (NM_005911.5); short protein forms I13V.
Identifiers: ClinVar variation 2745180 (VCV002745180.4), dbSNP rs760251833, ClinGen allele CA1741272.
Genomic context (GRCh38, chr2:85,539,324, plus strand): 5'-CCACTTCCGCACACCGACACCAACATGAACGGACAGCTCAACGGCTTCCACGAGGCGTTC[A>G]TCGAGGAGGGCACATTCCTTTTCACCTCAGAGTCGGTCGGGGAAGGCCACCCAGGTGAGG-3'
Protein context (NP_005902.1, residues 3-23): GQLNGFHEAF[Ile13Val]EEGTFLFTSE

ClinVar aggregate classification (germline): Uncertain significance. Review status: criteria provided, multiple submitters, no conflicts (2 of 4 stars). 2 submissions from 2 submitters: Uncertain significance (2). Last evaluated 2025-06-17.

Conditions:
Familial thoracic aortic aneurysm and aortic dissection (TAAD). Also called: Thoracic aortic aneurysms and dissections. Identifiers: Orphanet 91387, MedGen C4707243, MONDO:0019625.
Cardiovascular phenotype. Identifiers: MedGen CN230736.

Allele frequency attached by ClinVar (database versions not stated): ExAC 0.00002.
gnomAD v4.1: 5 of 1,607,056 alleles (0.00031%); highest among the groups gnomAD compares: Admixed American, 0.0051%; no homozygotes.

Submissions (2):

Ambry Genetics
Classification: Uncertain significance for Cardiovascular phenotype. Last evaluated: 2025-06-17. Review status: criteria provided, single submitter. Criteria: Ambry Variant Classification Scheme 2023. Collection method: clinical testing. Allele origin: germline.

Labcorp Genetics (formerly Invitae), Labcorp
Classification: Uncertain significance for Familial thoracic aortic aneurysm and aortic dissection. Last evaluated: 2023-08-19. Review status: criteria provided, single submitter. Criteria: Invitae Variant Classification Sherloc (09022015). Collection method: clinical testing. Allele origin: germline.
Comment: This variant is present in population databases (rs760251833, gnomAD 0.009%). This sequence change replaces isoleucine, which is neutral and non-polar, with valine, which is neutral and non-polar, at codon 13 of the MAT2A protein (p.Ile13Val). This variant has not been reported in the literature in individuals affected with MAT2A-related conditions. An algorithm developed to predict the effect of missense changes on protein structure and function (PolyPhen-2) suggests that this variant is likely to be tolerated. In summary, the available evidence is currently insufficient to determine the role of this variant in disease. Therefore, it has been classified as a Variant of Uncertain Significance.